The following is an entry in ClinVar:

NM_015178.3(RHOBTB2):c.641T>C (p.Leu214Pro)

Gene: RHOBTB2 (Rho related BTB domain containing 2; plus strand). Cytogenetic location: 8p21.3.
Variant type: single nucleotide variant.
Coding change: c.641T>C on transcript NM_015178.3 (MANE Select); coding-DNA position 641, T replaced by C.
Protein change: p.Leu214Pro; replaces leucine 214 with proline.
Molecular consequence: missense variant.
Genome position (GRCh38, 1-based): chr8:23,006,886, T>C. VCF-style: chr8-23006886-T-C. GRCh37 (hg19) VCF-style: chr8-22864399-T-C.
Other names: c.707T>C, p.Leu236Pro (NM_001160036.2); c.662T>C, p.Leu221Pro (NM_001160037.2); c.641T>C, p.Leu214Pro (NM_001374791.1); short protein forms L214P, L221P, L236P.
Identifiers: ClinVar variation 3368114 (VCV003368114.1).
Genomic context (GRCh38, chr8:23,006,886, plus strand): 5'-TCGGCATCAAGGACGTCTTTGACAACGCCATCCGAGCTGCACTCATCTCCCGCCGCCACC[T>C]GCAGTTCTGGAAGTCCCACCTCCGCAATGTGCAGCGGCCTCTGCTGCAGGCACCCTTCCT-3'
Protein context (NP_055993.2, residues 204-224): IRAALISRRH[Leu214Pro]QFWKSHLRNV

ClinVar aggregate classification (germline): Uncertain significance (1 of 4 stars; one submission).

Submission:

GeneDx
Classification: Uncertain significance. Last evaluated: 2024-02-16. Review status: criteria provided, single submitter. Criteria: GeneDx Variant Classification Process June 2021. Collection method: clinical testing. Allele origin: germline. Affected: yes.
Comment: Not observed at significant frequency in large population cohorts (gnomAD); In silico analysis supports that this missense variant does not alter protein structure/function; Has not been previously published as pathogenic or benign to our knowledge